The following is an entry in ClinVar:

NM_032447.5(FBN3):c.880G>A (p.Ala294Thr)

Gene: FBN3 (fibrillin 3; minus strand). Cytogenetic location: 19p13.2.
Variant type: single nucleotide variant.
Coding change: c.880G>A on transcript NM_032447.5 (MANE Select); coding-DNA position 880, G replaced by A.
Protein change: p.Ala294Thr; replaces alanine 294 with threonine.
Molecular consequence: missense variant.
Genome position (GRCh38, 1-based): chr19:8,138,550, C>T on the plus strand (G>A on the coding strand, the complement: FBN3 is on the minus strand). VCF-style: chr19-8138550-C-T. GRCh37 (hg19) VCF-style: chr19-8203434-C-T.
Other names: c.880G>A, p.Ala294Thr (NM_001321431.2); short protein forms A294T.
Identifiers: ClinVar variation 3022162 (VCV003022162.3), dbSNP rs1176750048, ClinGen allele CA403716037.

ClinVar aggregate classification (germline): Uncertain significance (1 of 4 stars; one submission).

Allele frequency attached by ClinVar (database versions not stated): TOPMed below 0.00001; gnomAD exomes 0.00001.
gnomAD v4.1: 8 of 1,609,408 alleles (0.0005%); highest among the groups gnomAD compares: Non-Finnish European, 0.00059%; no homozygotes.

Submission:

Labcorp Genetics (formerly Invitae), Labcorp
Classification: Uncertain significance. Last evaluated: 2023-05-11. Review status: criteria provided, single submitter. Criteria: Invitae Variant Classification Sherloc (09022015). Collection method: clinical testing. Allele origin: germline.
Comment: In summary, the available evidence is currently insufficient to determine the role of this variant in disease. Therefore, it has been classified as a Variant of Uncertain Significance. Advanced modeling of protein sequence and biophysical properties (such as structural, functional, and spatial information, amino acid conservation, physicochemical variation, residue mobility, and thermodynamic stability) performed at Invitae indicates that this missense variant is not expected to disrupt FBN3 protein function. This variant has not been reported in the literature in individuals affected with FBN3-related conditions. This variant is not present in population databases (gnomAD no frequency). This sequence change replaces alanine, which is neutral and non-polar, with threonine, which is neutral and polar, at codon 294 of the FBN3 protein (p.Ala294Thr).